The following is an entry in ClinVar:

ClinVar aggregate classification (germline): Benign/Likely benign. Review status: criteria provided, multiple submitters, no conflicts (2 of 4 stars). 6 submissions from 6 submitters: Benign (2); Likely benign (4). Last evaluated 2026-01-14.

Conditions:
Melnick-Needles syndrome (MNS). Also called: MELNICK-NEEDLES OSTEODYSPLASTY; OSTEODYSPLASTY OF MELNICK AND NEEDLES; Melnick-Needles Syndrome (FLNA-MNS). Identifiers: Orphanet 2484, MedGen C0025237, MONDO:0010650, OMIM 309350.
Frontometaphyseal dysplasia (FMD1). Identifiers: Orphanet 1826, MedGen C0265293, MONDO:0015942.
Heterotopia, periventricular, X-linked dominant (PVNH1). Also called: PERIVENTRICULAR NODULAR HETEROTOPIA 1; PERIVENTRICULAR NODULAR HETEROTOPIA 4; HETEROTOPIA, PERIVENTRICULAR, 1; X-linked periventricular heterotopia. Identifiers: Orphanet 2149, Orphanet 82004, MedGen C1848213, MONDO:0010233, OMIM 300049.
Oto-palato-digital syndrome, type II (OPD2). Also called: FACIOPALATOOSSEOUS SYNDROME; OPD II SYNDROME; Otopalatodigital Syndrome, Type II; Otopalatodigital Syndrome Type 2 (FLNA-OPD2). Identifiers: Orphanet 669, Orphanet 90652, MedGen C1844696, MONDO:0010571, OMIM 304120.
FLNA-related disorder.
Familial thoracic aortic aneurysm and aortic dissection (TAAD). Also called: Thoracic aortic aneurysms and dissections. Identifiers: Orphanet 91387, MedGen C4707243, MONDO:0019625.

Allele frequency attached by ClinVar (database versions not stated): gnomAD exomes 0.00008 and 0.00013; gnomAD 0.00009 and 0.00011; TOPMed 0.00013; ExAC 0.00014; 1000 Genomes Project 30x 0.00062; 1000 Genomes Project 0.00079.
gnomAD v4.1: 103 of 1,208,173 alleles (0.0085%); highest among the groups gnomAD compares: East Asian, 0.29%; no homozygotes.

Submissions (6):

Labcorp Genetics (formerly Invitae), Labcorp
Classification: Benign for Oto-palato-digital syndrome, type II; Heterotopia, periventricular, X-linked dominant; Frontometaphyseal dysplasia; Melnick-Needles syndrome. Last evaluated: 2026-01-14. Review status: criteria provided, single submitter. Criteria: Invitae Variant Classification Sherloc (09022015). Collection method: clinical testing. Allele origin: germline.

PreventionGenetics, part of Exact Sciences
Classification: Likely benign for FLNA-related condition. Last evaluated: 2024-11-25. Review status: criteria provided, single submitter. Criteria: ACMG Guidelines, 2015. Collection method: clinical testing. Allele origin: germline.
Comment: This variant is classified as likely benign based on ACMG/AMP sequence variant interpretation guidelines (Richards et al. 2015 PMID: 25741868, with internal and published modifications).

Blueprint Genetics
Classification: Likely benign. Last evaluated: 2024-06-07. Review status: criteria provided, single submitter. Criteria: ACMG Guidelines, 2015. Collection method: clinical testing. Allele origin: germline.

ARUP Laboratories, Molecular Genetics and Genomics, ARUP Laboratories
Classification: Likely benign. Last evaluated: 2021-11-30. Review status: criteria provided, single submitter. Criteria: ARUP Molecular Germline Variant Investigation Process 2021. Collection method: clinical testing. Allele origin: germline.

GeneDx
Classification: Benign. Last evaluated: 2021-08-17. Review status: criteria provided, single submitter. Criteria: GeneDx Variant Classification Process June 2021. Collection method: clinical testing. Allele origin: germline. Affected: yes.
Comment: This variant is associated with the following publications: (PMID: 26582918)

Ambry Genetics
Classification: Likely benign for Familial thoracic aortic aneurysm and aortic dissection. Last evaluated: 2015-09-14. Review status: criteria provided, single submitter. Criteria: Ambry Variant Classification Scheme 2023. Collection method: clinical testing. Allele origin: germline.

NM_001110556.2(FLNA):c.4533T>C (p.Tyr1511=)

Gene: FLNA (filamin A; minus strand). Cytogenetic location: Xq28.
Variant type: single nucleotide variant.
Coding change: c.4533T>C on transcript NM_001110556.2 (MANE Select); coding-DNA position 4533, T replaced by C.
Protein change: p.Tyr1511=; no amino-acid change (tyrosine 1511 retained).
Molecular consequence: synonymous variant.
Genome position (GRCh38, 1-based): chrX:154,358,510, A>G on the plus strand (T>C on the coding strand, the complement: FLNA is on the minus strand). VCF-style: chrX-154358510-A-G. GRCh37 (hg19) VCF-style: chrX-153586878-A-G.
Other names: c.4533T>C (NM_001110556.1); c.4533T>C, p.Tyr1511= (NM_001456.4).
Identifiers: ClinVar variation 264353 (VCV000264353.27), dbSNP rs191786597, ClinGen allele CA10560512.